The following is an entry in ClinVar:

ClinVar aggregate classification (germline): Uncertain significance. Review status: criteria provided, multiple submitters, no conflicts (2 of 4 stars). 3 submissions from 3 submitters: Uncertain significance (2). 1 of the submissions does not count toward it. Last evaluated 2024-11-05.

Conditions:
KANK1-related disorder. Also called: KANK1-related condition.
Cerebral palsy, spastic quadriplegic, 2 (CPSQ2). Identifiers: Orphanet 210141, MedGen C2752061, MONDO:0013033, OMIM 612900.

Allele frequency attached by ClinVar (database versions not stated): ExAC 0.00001; gnomAD 0.00003 and 0.00004; TOPMed 0.00004.
gnomAD v4.1: 66 of 1,612,046 alleles (0.0041%); highest among the groups gnomAD compares: East Asian, 0.0045%; no homozygotes.

Submissions (3):

Labcorp Genetics (formerly Invitae), Labcorp
Classification: Uncertain significance. Last evaluated: 2024-11-05. Review status: criteria provided, single submitter. Criteria: Invitae Variant Classification Sherloc (09022015). Collection method: clinical testing. Allele origin: germline.
Comment: This sequence change affects codon 1184 of the KANK1 mRNA. It is a 'silent' change, meaning that it does not change the encoded amino acid sequence of the KANK1 protein. It affects a nucleotide within the consensus splice site. The frequency data for this variant in the population databases is considered unreliable, as metrics indicate poor data quality at this position in the gnomAD database. This variant has not been reported in the literature in individuals affected with KANK1-related conditions. ClinVar contains an entry for this variant (Variation ID: 1403442). Algorithms developed to predict the effect of sequence changes on RNA splicing suggest that this variant is not likely to affect RNA splicing. In summary, the available evidence is currently insufficient to determine the role of this variant in disease. Therefore, it has been classified as a Variant of Uncertain Significance.

Fulgent Genetics
Classification: Uncertain significance for Cerebral palsy, spastic quadriplegic, 2. Last evaluated: 2021-09-29. Review status: criteria provided, single submitter. Criteria: ACMG Guidelines, 2015. Collection method: clinical testing. Allele origin: unknown.

PreventionGenetics, part of Exact Sciences
Classification: Likely benign for KANK1-related condition. Last evaluated: 2022-09-06. Review status: no assertion criteria provided. Collection method: clinical testing. Allele origin: germline. Not counted in ClinVar's aggregate classification.
Comment: This variant is classified as likely benign based on ACMG/AMP sequence variant interpretation guidelines (Richards et al. 2015 PMID: 25741868, with internal and published modifications).

NM_015158.5(KANK1):c.3552C>T (p.Ala1184=)

Genes: KANK1 (KN motif and ankyrin repeat domains 1; plus strand), LOC126860554 (MED14-independent group 3 enhancer GRCh37_chr9:737889-739088; plus strand). Cytogenetic location: 9p24.3.
Variant type: single nucleotide variant.
Coding change: c.3552C>T on transcript NM_015158.5 (MANE Select); coding-DNA position 3552, C replaced by T.
Protein change: p.Ala1184=; no amino-acid change (alanine 1184 retained).
Molecular consequence: synonymous variant. On other transcripts: non-coding transcript variant (1).
Genome position (GRCh38, 1-based): chr9:738,503, C>T. VCF-style: chr9-738503-C-T. GRCh37 (hg19) VCF-style: chr9-738503-C-T.
Other names: c.3552C>T, p.Ala1184= (NM_001256876.3, NM_001256877.3, NM_001354334.2); c.3312C>T, p.Ala1104= (NM_001354331.2); c.3498C>T, p.Ala1166= (NM_001354332.2); c.3078C>T, p.Ala1026= (NM_001354333.2, NM_001354335.2, NM_001354337.2 and 2 more transcripts); c.2784C>T, p.Ala928= (NM_001354336.2); c.3024C>T, p.Ala1008= (NM_001354338.2, NM_001354340.2, NM_001354344.2); c.2838C>T, p.Ala946= (NM_001354339.2, NM_001354342.2, NM_001354343.2); c.3552C>T (NM_015158.3).
Identifiers: ClinVar variation 1403442 (VCV001403442.11), dbSNP rs766169056, ClinGen allele CA4960995.